The following is an entry in ClinVar:

ClinVar aggregate classification (germline): Uncertain significance (1 of 4 stars; one submission).

Allele frequency attached by ClinVar (database versions not stated): ExAC 0.00001; gnomAD exomes below 0.00001.
gnomAD v4.1: 1 of 1,612,208 alleles (0.000062%); highest among the groups gnomAD compares: Admixed American, 0.0017%; no homozygotes.

Submission:

Labcorp Genetics (formerly Invitae), Labcorp
Classification: Uncertain significance. Last evaluated: 2025-12-30. Review status: criteria provided, single submitter. Criteria: Invitae Variant Classification Sherloc (09022015). Collection method: clinical testing. Allele origin: germline.
Comment: This sequence change replaces phenylalanine, which is neutral and non-polar, with leucine, which is neutral and non-polar, at codon 276 of the GUF1 protein (p.Phe276Leu). This variant is present in population databases (rs770703534, gnomAD 0.003%). This variant has not been reported in the literature in individuals affected with GUF1-related conditions. ClinVar contains an entry for this variant (Variation ID: 1352153). Invitae Evidence Modeling of protein sequence and biophysical properties (such as structural, functional, and spatial information, amino acid conservation, physicochemical variation, residue mobility, and thermodynamic stability) indicates that this missense variant is not expected to disrupt GUF1 protein function with a negative predictive value of 80%. In summary, the available evidence is currently insufficient to determine the role of this variant in disease. Therefore, it has been classified as a Variant of Uncertain Significance.

NM_021927.3(GUF1):c.828T>G (p.Phe276Leu)

Gene: GUF1 (GTP binding elongation factor GUF1; plus strand). Cytogenetic location: 4p12.
Variant type: single nucleotide variant.
Coding change: c.828T>G on transcript NM_021927.3 (MANE Select); coding-DNA position 828, T replaced by G.
Protein change: p.Phe276Leu; replaces phenylalanine 276 with leucine.
Molecular consequence: missense variant. On other transcripts: 5 prime UTR variant (2).
Genome position (GRCh38, 1-based): chr4:44,686,603, T>G. VCF-style: chr4-44686603-T-G. GRCh37 (hg19) VCF-style: chr4-44688620-T-G.
Other names: c.-145T>G (NM_001345867.2, NM_001345869.2); c.828T>G, p.Phe276Leu (NM_001345868.2); short protein forms F276L.
Identifiers: ClinVar variation 1352153 (VCV001352153.6), dbSNP rs770703534, ClinGen allele CA2905449.